The following is an entry in ClinVar:

NM_001378454.1(ALMS1):c.2492C>G (p.Pro831Arg)

Gene: ALMS1 (ALMS1 centrosome and basal body associated protein; plus strand). Cytogenetic location: 2p13.1.
Variant type: single nucleotide variant.
Coding change: c.2492C>G on transcript NM_001378454.1 (MANE Select); coding-DNA position 2492, C replaced by G.
Protein change: p.Pro831Arg; replaces proline 831 with arginine.
Molecular consequence: missense variant.
Genome position (GRCh38, 1-based): chr2:73,449,019, C>G. VCF-style: chr2-73449019-C-G. GRCh37 (hg19) VCF-style: chr2-73676146-C-G.
Other names: c.2495C>G, p.Pro832Arg (NM_015120.4); short protein forms P831R, P832R.
Identifiers: ClinVar variation 3730902 (VCV003730902.2).

ClinVar aggregate classification (germline): Uncertain significance. Review status: criteria provided, multiple submitters, no conflicts (2 of 4 stars). 2 submissions from 2 submitters: Uncertain significance (2). Last evaluated 2024-08-16.

gnomAD v4.1: 13 of 1,613,872 alleles (0.00081%); highest among the groups gnomAD compares: South Asian, 0.0022%; no homozygotes.

Submissions (2):

GeneDx
Classification: Uncertain significance. Last evaluated: 2024-08-16. Review status: criteria provided, single submitter. Criteria: GeneDx Variant Classification Process June 2021. Collection method: clinical testing. Allele origin: germline. Affected: yes.
Comment: Not observed at significant frequency in large population cohorts (gnomAD); In silico analysis indicates that this missense variant does not alter protein structure/function; Has not been previously published as pathogenic or benign to our knowledge

Blueprint Genetics
Classification: Uncertain significance. Last evaluated: 2024-08-02. Review status: criteria provided, single submitter. Criteria: ACMG Guidelines, 2015. Collection method: clinical testing. Allele origin: germline.